The following is an entry in ClinVar:

ClinVar aggregate classification (germline): Conflicting classifications of pathogenicity. Review status: criteria provided, conflicting classifications (1 of 4 stars). 4 submissions from 4 submitters: Uncertain significance (3); Likely benign (1). Last evaluated 2026-08-25.

Conditions:
Autosomal recessive limb-girdle muscular dystrophy type 2J (LGMDR10). Also called: Limb-girdle muscular dystrophy, type 2J; MUSCULAR DYSTROPHY, LIMB-GIRDLE, AUTOSOMAL RECESSIVE 10. Identifiers: Orphanet 140922, MedGen C1837342, MONDO:0012127, OMIM 608807.
Dilated cardiomyopathy 1G (CMD1G). Identifiers: Orphanet 154, MedGen C1858763, MONDO:0011400, OMIM 604145.
TTN-related disorder. Also called: TTN-related condition; TTN-related disease; TTN-related disorders.

Allele frequency attached by ClinVar (database versions not stated): gnomAD 0.00003 and 0.00004; gnomAD exomes 0.00004 and 0.00007; TOPMed 0.00005; ESP Exome Variant Server 0.00008; ExAC 0.00010.
gnomAD v4.1: 60 of 1,593,506 alleles (0.0038%); highest among the groups gnomAD compares: Admixed American, 0.016%; 1 homozygote.

Submissions (4):

PreventionGenetics, part of Exact Sciences
Classification: Uncertain significance for TTN-related condition. Last evaluated: 2026-08-25. Review status: criteria provided, single submitter. Criteria: ACMG Guidelines, 2015. Collection method: clinical testing. Allele origin: germline.
Comment: The TTN c.41744C>T variant is predicted to result in the amino acid substitution p.Ala13915Val. To our knowledge, this variant has not been reported in the literature. This variant is reported in 0.020% of alleles in individuals of Latino descent in gnomAD. At this time, the clinical significance of this variant is uncertain due to the absence of conclusive functional and genetic evidence.

Revvity Omics, Revvity
Classification: Uncertain significance. Last evaluated: 2019-06-12. Review status: criteria provided, single submitter. Criteria: ACMG Guidelines, 2015. Collection method: clinical testing. Allele origin: germline.

GeneDx
Classification: Likely benign. Last evaluated: 2017-11-03. Review status: criteria provided, single submitter. Criteria: GeneDx Variant Classification (06012015). Collection method: clinical testing. Allele origin: germline. Affected: yes.
Comment: This variant is considered likely benign or benign based on one or more of the following criteria: it is a conservative change, it occurs at a poorly conserved position in the protein, it is predicted to be benign by multiple in silico algorithms, and/or has population frequency not consistent with disease.

Labcorp Genetics (formerly Invitae), Labcorp
Classification: Uncertain significance for Dilated cardiomyopathy 1G; Autosomal recessive limb-girdle muscular dystrophy type 2J. Last evaluated: 2017-04-14. Review status: criteria provided, single submitter. Criteria: Invitae Variant Classification Sherloc (09022015). Collection method: clinical testing. Allele origin: germline.

NM_001267550.2(TTN):c.41744C>T (p.Ala13915Val)

Gene: TTN (titin; minus strand). Cytogenetic location: 2q31.2.
Variant type: single nucleotide variant.
Coding change: c.41744C>T on transcript NM_001267550.2 (MANE Select); coding-DNA position 41744, C replaced by T.
Protein change: p.Ala13915Val; replaces alanine 13915 with valine.
Molecular consequence: missense variant.
Genome position (GRCh38, 1-based): chr2:178,635,580, G>A on the plus strand (C>T on the coding strand, the complement: TTN is on the minus strand). VCF-style: chr2-178635580-G-A. GRCh37 (hg19) VCF-style: chr2-179500307-G-A.
Other names: c.36821C>T, p.Ala12274Val (NM_001256850.1); c.14549C>T, p.Ala4850Val (NM_003319.4); c.34040C>T, p.Ala11347Val (NM_133378.4); c.14924C>T, p.Ala4975Val (NM_133432.3); c.15125C>T, p.Ala5042Val (NM_133437.4); short protein forms A13915V, A12274V, A11347V, A5042V, A4975V, A4850V.
Identifiers: ClinVar variation 467137 (VCV000467137.7), dbSNP rs371426048, ClinGen allele CA1996214.